The following is an entry in ClinVar:

NM_144997.7(FLCN):c.574A>G (p.Lys192Glu)

Gene: FLCN (folliculin; minus strand). Cytogenetic location: 17p11.2.
Variant type: single nucleotide variant.
Coding change: c.574A>G on transcript NM_144997.7 (MANE Select); coding-DNA position 574, A replaced by G.
Protein change: p.Lys192Glu; replaces lysine 192 with glutamic acid.
Molecular consequence: missense variant.
Genome position (GRCh38, 1-based): chr17:17,223,966, T>C on the plus strand (A>G on the coding strand, the complement: FLCN is on the minus strand). VCF-style: chr17-17223966-T-C. GRCh37 (hg19) VCF-style: chr17-17127280-T-C.
Other names: c.628A>G, p.Lys210Glu (NM_001353229.2); c.574A>G, p.Lys192Glu (NM_001353230.2, NM_001353231.2, NM_144606.7); short protein forms K192E, K210E.
Identifiers: ClinVar variation 836700 (VCV000836700.12), dbSNP rs2047173108, ClinGen allele CA398534259.

ClinVar aggregate classification (germline): Uncertain significance. Review status: criteria provided, multiple submitters, no conflicts (2 of 4 stars). 4 submissions from 4 submitters: Uncertain significance (4). Last evaluated 2026-01-31.

Conditions:
Hereditary cancer-predisposing syndrome. Also called: Neoplastic Syndromes, Hereditary; Hereditary neoplastic syndrome; Tumor predisposition; Hereditary Cancer Syndrome. Identifiers: Orphanet 140162, MedGen C0027672, MeSH D009386, MONDO:0015356.
Birt-Hogg-Dube syndrome. Also called: Birt Hogg Dubé syndrome. Identifiers: Orphanet 122, MedGen C0346010, MONDO:0800444.
Birt-Hogg-Dube syndrome 1 (BHD1). Also called: FIBROFOLLICULOMAS WITH TRICHODISCOMAS AND ACROCHORDONS. Identifiers: Orphanet 122, MedGen CN375946, MONDO:0800445, OMIM 135150.

Submissions (4):

Labcorp Genetics (formerly Invitae), Labcorp
Classification: Uncertain significance for Birt-Hogg-Dube syndrome. Last evaluated: 2026-01-31. Review status: criteria provided, single submitter. Criteria: Invitae Variant Classification Sherloc (09022015). Collection method: clinical testing. Allele origin: germline.
Comment: This sequence change replaces lysine, which is basic and polar, with glutamic acid, which is acidic and polar, at codon 192 of the FLCN protein (p.Lys192Glu). This variant is not present in population databases (gnomAD no frequency). This variant has not been reported in the literature in individuals affected with FLCN-related conditions. ClinVar contains an entry for this variant (Variation ID: 836700). Invitae Evidence Modeling of protein sequence and biophysical properties (such as structural, functional, and spatial information, amino acid conservation, physicochemical variation, residue mobility, and thermodynamic stability) indicates that this missense variant is not expected to disrupt FLCN protein function with a negative predictive value of 80%. In summary, the available evidence is currently insufficient to determine the role of this variant in disease. Therefore, it has been classified as a Variant of Uncertain Significance.

Ambry Genetics
Classification: Uncertain significance for Hereditary cancer-predisposing syndrome. Last evaluated: 2025-02-26. Review status: criteria provided, single submitter. Criteria: Ambry Variant Classification Scheme 2023. Collection method: clinical testing. Allele origin: germline.
Comment: The p.K192E variant (also known as c.574A>G), located in coding exon 3 of the FLCN gene, results from an A to G substitution at nucleotide position 574. The lysine at codon 192 is replaced by glutamic acid, an amino acid with similar properties. This amino acid position is conserved. In addition, the in silico prediction for this alteration is inconclusive. Since supporting evidence is limited at this time, the clinical significance of this alteration remains unclear.

Molecular Diagnostics Laboratory, Catalan Institute of Oncology
Classification: Uncertain significance for Hereditary cancer-predisposing syndrome. Last evaluated: 2025-02-06. Review status: criteria provided, single submitter. Criteria: ACMG Guidelines, 2015. Collection method: clinical testing. Allele origin: germline.
Comment: PM2_Supporting c.574A>G, located in exon 6 of the FLCN gene, is predicted to result in the substitution of lysine by Gutamic acid at codon 192, p.(Lys192Glu).It is not present in the population database gnomAD v2.1.1, non cancer dataset (PM2_Supporting). The SpliceAI algorithm predicts no significant impact on splicing and the REVEL meta-predictor score for this variant (0.317) suggests an intermediate effect on the protein function according Pejaver 2022 thresholds (PMID: 36413997). To our knowledge, neither clinical data nor functional studies have been reported for this variant. This variant has only been reported in ClinVar database (3x uncertain significance) but it has not been reported in LOVD database. Based on currently available information, the variant c.574A>G is classified as an uncertain significance variant according to ACMG guidelines.

Baylor Genetics
Classification: Uncertain significance for Birt-Hogg-Dube syndrome 1. Last evaluated: 2023-12-26. Review status: criteria provided, single submitter. Criteria: ACMG Guidelines, 2015. Collection method: clinical testing. Allele origin: unknown.